The following is an entry in ClinVar:

NM_000245.4(MET):c.1863-3C>T

Gene: MET (MET proto-oncogene, receptor tyrosine kinase; plus strand). Cytogenetic location: 7q31.2.
Variant type: single nucleotide variant.
Coding change: c.1863-3C>T on transcript NM_000245.4 (MANE Select); 3 bases into the intron before coding-DNA position 1863, C replaced by T.
Molecular consequence: intron variant.
Genome position (GRCh38, 1-based): chr7:116,757,434, C>T. VCF-style: chr7-116757434-C-T. GRCh37 (hg19) VCF-style: chr7-116397488-C-T.
Other names: c.1863-3C>T (NM_001127500.3, NM_001324401.3); c.573-3C>T (NM_001324402.2).
Identifiers: ClinVar variation 648938 (VCV000648938.17), dbSNP rs1160304097, ClinGen allele CA832045665.

ClinVar aggregate classification (germline): Uncertain significance. Review status: criteria provided, multiple submitters, no conflicts (2 of 4 stars). 3 submissions from 3 submitters: Uncertain significance (3). Last evaluated 2026-10-01.

Conditions:
Renal cell carcinoma. Identifiers: Orphanet 217071, MedGen C0007134, MeSH D002292, MONDO:0005086, HP:0005584.
Hereditary cancer-predisposing syndrome. Also called: Hereditary Cancer Syndrome; Neoplastic Syndromes, Hereditary; Tumor predisposition; Hereditary neoplastic syndrome. Identifiers: Orphanet 140162, MedGen C0027672, MeSH D009386, MONDO:0015356.
Papillary renal cell carcinoma type 1 (RCCP1). Also called: Renal adenocarcinoma; Renal cell carcinoma 1; Renal cell carcinoma, somatic; RENAL CELL CARCINOMA, PAPILLARY, 1, SOMATIC. Identifiers: Orphanet 47044, MedGen C1336839, OMIM 605074, HP:0011797.

Allele frequency attached by ClinVar (database versions not stated): gnomAD 0.00001; TOPMed 0.00001.
gnomAD v4.1: 3 of 1,612,078 alleles (0.00019%); highest among the groups gnomAD compares: African/African-American, 0.0013%; no homozygotes.

Submissions (3):

St. Jude Molecular Pathology, St. Jude Children's Research Hospital
Classification: Uncertain significance for Papillary renal cell carcinoma type 1. Last evaluated: 2026-10-01. Review status: criteria provided, single submitter. Criteria: St. Jude Assertion Criteria 2020. Collection method: clinical testing. Allele origin: germline.
Comment: The MET c.1863-3C>T intronic change results in a C to T substitution at the -3 position of intron 6 of the MET gene. Algorithms that predict the impact of sequence changes on splicing indicate that this variant does not affect splicing but to our know ledge these predictions have not been confirmed by RNA studies. This variant is absent in gnomAD v2.1.1. This variant has not been reported in individuals with hereditary papillary renal cell carcinoma. In summary, th e evidence currently available is insufficient to determine the clinical significance of this variant. It has therefore been classified as of uncertain significance (VUS-Low).

Ambry Genetics
Classification: Uncertain significance for Hereditary cancer-predisposing syndrome. Last evaluated: 2025-07-10. Review status: criteria provided, single submitter. Criteria: Ambry Variant Classification Scheme 2023. Collection method: clinical testing. Allele origin: germline.
Comment: The c.1863-3C>T intronic variant results from a C to T substitution 3 nucleotides upstream from coding exon 6 in the MET gene. This nucleotide position is not well conserved in available vertebrate species. In silico splice site analysis predicts that this alteration will not have any significant effect on splicing. Based on the available evidence, the clinical significance of this variant remains unclear.

Labcorp Genetics (formerly Invitae), Labcorp
Classification: Uncertain significance for Renal cell carcinoma. Last evaluated: 2025-04-26. Review status: criteria provided, single submitter. Criteria: Invitae Variant Classification Sherloc (09022015). Collection method: clinical testing. Allele origin: germline.
Comment: This sequence change falls in intron 6 of the MET gene. It does not directly change the encoded amino acid sequence of the MET protein. It affects a nucleotide within the consensus splice site. This variant is not present in population databases (gnomAD no frequency). This variant has not been reported in the literature in individuals affected with MET-related conditions. ClinVar contains an entry for this variant (Variation ID: 648938). Variants that disrupt the consensus splice site are a relatively common cause of aberrant splicing (PMID: 17576681, 9536098). Algorithms developed to predict the effect of sequence changes on RNA splicing suggest that this variant is not likely to affect RNA splicing. In summary, the available evidence is currently insufficient to determine the role of this variant in disease. Therefore, it has been classified as a Variant of Uncertain Significance.

Literature cited by the submitters: PubMed 17576681 (cited by Labcorp Genetics (formerly Invitae), Labcorp); PubMed 9536098 (cited by Labcorp Genetics (formerly Invitae), Labcorp).